The following is an entry in ClinVar:

ClinVar aggregate classification (germline): Uncertain significance (1 of 4 stars; one submission).

Submission:

Women's Health and Genetics/Laboratory Corporation of America, LabCorp
Classification: Uncertain significance. Last evaluated: 2024-03-11. Review status: criteria provided, single submitter. Criteria: LabCorp Variant Classification Summary - May 2015. Collection method: clinical testing. Allele origin: germline.
Comment: Variant summary: FLNC c.2003_2007delinsGT (p.Asp668_Lys669delinsGly) results in an in-frame deletion-insertion that is predicted to delete one amino acid from the protein and also cause changes in one amino acid. Several computational tools predict a significant impact on normal splicing: Four predict the variant abolishes a 5' splicing donor site. Four predict the variant creates a 5' donor site. However, these predictions have yet to be confirmed by functional studies. The variant was absent in 628588 control chromosomes. The available data on variant occurrences in the general population are insufficient to allow any conclusion about variant significance. To our knowledge, no occurrence of c.2003_2007delinsGT in individuals affected with Dilated Cardiomyopathy and no experimental evidence demonstrating its impact on protein function have been reported. No submitters have cited clinical-significance assessments for this variant to ClinVar. Based on the evidence outlined above, the variant was classified as uncertain significance.

NM_001458.5(FLNC):c.2003_2007delinsGT (p.Asp668_Lys669delinsGly)

Gene: FLNC (filamin C; plus strand). Cytogenetic location: 7q32.1.
Variant type: Indel.
Coding change: c.2003_2007delinsGT on transcript NM_001458.5 (MANE Select); coding-DNA positions 2003 to 2007, ATAAG replaced by GT.
Protein change: p.Asp668_Lys669delinsGly.
Molecular consequence: inframe indel.
Genome position (GRCh38, 1-based): chr7:128,841,359-128,841,363, ATAAG replaced by GT. VCF-style: chr7-128841359-ATAAG-GT. GRCh37 (hg19) VCF-style: chr7-128481413-ATAAG-GT.
Other names: c.2003_2007delinsGT, p.Asp668_Lys669delinsGly (NM_001127487.2).
Identifiers: ClinVar variation 3233529 (VCV003233529.3), dbSNP rs2536628622, ClinGen allele CA2825001525.